The following is an entry in ClinVar:

ClinVar aggregate classification (germline): Uncertain significance (1 of 4 stars; one submission).

Allele frequency attached by ClinVar (database versions not stated): ExAC 0.00001; gnomAD exomes 0.00001 and 0.00002; TOPMed 0.00002; gnomAD 0.00003 and 0.00004.
gnomAD v4.1: 16 of 1,613,942 alleles (0.00099%); highest among the groups gnomAD compares: East Asian, 0.016%; no homozygotes.

Submission:

Labcorp Genetics (formerly Invitae), Labcorp
Classification: Uncertain significance. Last evaluated: 2021-09-06. Review status: criteria provided, single submitter. Criteria: Invitae Variant Classification Sherloc (09022015). Collection method: clinical testing. Allele origin: germline.
Comment: In summary, the available evidence is currently insufficient to determine the role of this variant in disease. Therefore, it has been classified as a Variant of Uncertain Significance. Algorithms developed to predict the effect of missense changes on protein structure and function are either unavailable or do not agree on the potential impact of this missense change (SIFT: "Deleterious"; PolyPhen-2: "Probably Damaging"; Align-GVGD: "Class C0"). This variant has not been reported in the literature in individuals affected with ADAM9-related conditions. This variant is present in population databases (rs755162126, ExAC 0.01%). This sequence change replaces proline with leucine at codon 812 of the ADAM9 protein (p.Pro812Leu). The proline residue is highly conserved and there is a moderate physicochemical difference between proline and leucine.

NM_003816.3(ADAM9):c.2435C>T (p.Pro812Leu)

Gene: ADAM9 (ADAM metallopeptidase domain 9; plus strand). Cytogenetic location: 8p11.22.
Variant type: single nucleotide variant.
Coding change: c.2435C>T on transcript NM_003816.3 (MANE Select); coding-DNA position 2435, C replaced by T.
Protein change: p.Pro812Leu; replaces proline 812 with leucine.
Molecular consequence: missense variant. On other transcripts: non-coding transcript variant (3).
Genome position (GRCh38, 1-based): chr8:39,103,675, C>T. VCF-style: chr8-39103675-C-T. GRCh37 (hg19) VCF-style: chr8-38961194-C-T.
Other names: short protein forms P812L.
Identifiers: ClinVar variation 1490936 (VCV001490936.4), dbSNP rs755162126, ClinGen allele CA4721915.